The following is an entry in ClinVar:

NM_000179.3(MSH6):c.283T>C (p.Leu95=)

Gene: MSH6 (mutS homolog 6; plus strand). Cytogenetic location: 2p16.3.
Variant type: single nucleotide variant.
Coding change: c.283T>C on transcript NM_000179.3 (MANE Select); coding-DNA position 283, T replaced by C.
Protein change: p.Leu95=; no amino-acid change (leucine 95 retained).
Molecular consequence: synonymous variant. On other transcripts: 5 prime UTR variant (2), intron variant (1).
Genome position (GRCh38, 1-based): chr2:47,790,949, T>C. VCF-style: chr2-47790949-T-C. GRCh37 (hg19) VCF-style: chr2-48018088-T-C.
Other names: c.-620T>C (NM_001281494.2); c.237+7479T>C (NM_001281492.2); c.-454T>C (NM_001281493.2).
Identifiers: ClinVar variation 821881 (VCV000821881.14), dbSNP rs786202397, ClinGen allele CA425989071.

ClinVar aggregate classification (germline): Benign/Likely benign. Review status: criteria provided, multiple submitters, no conflicts (2 of 4 stars). 3 submissions from 3 submitters: Benign (1); Likely benign (2). Last evaluated 2025-05-14.

Conditions:
Hereditary nonpolyposis colorectal neoplasms. Identifiers: MedGen C0009405, MeSH D003123.
Hereditary cancer-predisposing syndrome. Also called: Tumor predisposition; Hereditary Cancer Syndrome; Neoplastic Syndromes, Hereditary; Hereditary neoplastic syndrome. Identifiers: Orphanet 140162, MedGen C0027672, MeSH D009386, MONDO:0015356.
Lynch syndrome 5 (LYNCH5). Also called: Colorectal cancer, hereditary nonpolyposis, type 5; Hereditary non-polyposis colorectal cancer, type 5. Identifiers: Orphanet 144, MedGen C1833477, MONDO:0013710, OMIM 614350. Disease mechanism: loss of function.

Submissions (3):

Labcorp Genetics (formerly Invitae), Labcorp
Classification: Likely benign for Hereditary nonpolyposis colorectal neoplasms. Last evaluated: 2025-05-14. Review status: criteria provided, single submitter. Criteria: Invitae Variant Classification Sherloc (09022015). Collection method: clinical testing. Allele origin: germline.

Myriad Genetics, Inc.
Classification: Benign for Lynch syndrome 5. Last evaluated: 2024-12-18. Review status: criteria provided, single submitter. Criteria: Myriad Autosomal Dominant, Autosomal Recessive and X-Linked Classification Criteria (2023). Collection method: clinical testing. Allele origin: unknown.
Comment: This variant is considered benign. This variant is a silent/synonymous amino acid change and it is not expected to impact splicing.

Ambry Genetics
Classification: Likely benign for Hereditary cancer-predisposing syndrome. Last evaluated: 2015-05-04. Review status: criteria provided, single submitter. Criteria: Ambry Variant Classification Scheme 2023. Collection method: clinical testing. Allele origin: germline.